The following is an entry in ClinVar:

NM_013275.6(ANKRD11):c.5670TTCCCC[3] (p.Pro1894_Arg1895insSerPro)

Gene: ANKRD11 (ankyrin repeat domain 11; minus strand). Cytogenetic location: 16q24.3.
Variant type: Microsatellite.
Coding change: c.5670TTCCCC[3] on transcript NM_013275.6 (MANE Select); three copies in a row of the 6-base unit TTCCCC starting at c.5670; the reference has two copies in a row; one copy, 6 bases duplicated.
Protein change: p.Pro1894_Arg1895insSerPro.
Molecular consequence: inframe insertion.
Genome position (GRCh38, 1-based): chr16:89,280,861-89,280,866, GGGGAA duplicated on the plus strand (TTCCCC on the coding strand, the reverse complement: ANKRD11 is on the minus strand); duplicating any 6 consecutive bases within chr16:89,280,861-89,280,874 gives the same sequence; the position shown is the placement nearest the transcript's 3' end. VCF-style (leftmost placement, unchanged base first): chr16-89280860-G-GGGGGAA. GRCh37 (hg19) VCF-style: chr16-89347268-G-GGGGGAA.
Other names: c.5670TTCCCC[3], p.Pro1894_Arg1895insSerPro (NM_001256182.2, NM_001256183.2).
Identifiers: ClinVar variation 4737447 (VCV004737447.1).
Genomic context (GRCh38, chr16:89,280,860, plus strand): 5'-GGAGGTGTCCAGGTCCGGGGGAAGGGCCCCTTCGAGGGAAGGAACCAGCAGCTCGGCTCT[G>GGGGGAA]GGGGAAGGGGAAGGTTTTGCTTGTAAACTTGAGAAGACGCCCTCTGGAGACGGGGTGACA-3'

ClinVar aggregate classification (germline): Uncertain significance (1 of 4 stars; one submission).

Conditions:
KBG syndrome (KBGS). Also called: ANKRD11-Related KBG Syndrome. Identifiers: Orphanet 2332, MedGen C0220687, MONDO:0007846, OMIM 148050.

Submission:

Labcorp Genetics (formerly Invitae), Labcorp
Classification: Uncertain significance for KBG syndrome. Last evaluated: 2025-11-17. Review status: criteria provided, single submitter. Criteria: Invitae Variant Classification Sherloc (09022015). Collection method: clinical testing. Allele origin: germline.
Comment: This variant, c.5676_5681dup, results in the insertion of 2 amino acid(s) of the ANKRD11 protein (p.Ser1893_Pro1894dup), but otherwise preserves the integrity of the reading frame. This variant is not present in population databases (gnomAD no frequency). This variant has not been reported in the literature in individuals affected with ANKRD11-related conditions. In summary, the available evidence is currently insufficient to determine the role of this variant in disease. Therefore, it has been classified as a Variant of Uncertain Significance.